The following is an entry in ClinVar:

ClinVar aggregate classification (germline): Pathogenic (0 of 4 stars; one submission).

Conditions:
Neurodevelopmental disorder with epilepsy and hypoplasia of the corpus callosum. Identifiers: MedGen C4748137, MONDO:0060761, OMIM 618090.

Submission:

OMIM
Classification: Pathogenic for NEURODEVELOPMENTAL DISORDER WITH EPILEPSY AND HYPOPLASIA OF THE CORPUS CALLOSUM. Last evaluated: 2026-09-14. Review status: no assertion criteria provided. Collection method: literature only. Allele origin: germline.

Literature cited by the submitters: PubMed 41204669 (cited by OMIM).

NM_030650.3(LNPK):c.316+4dup

Gene: LNPK (lunapark, ER junction formation factor; minus strand). Cytogenetic location: 2q31.1.
Variant type: Duplication.
Coding change: c.316+4dup on transcript NM_030650.3 (MANE Select); 4 bases into the intron after coding-DNA position 316, one base duplicated (A; older notation c.316+4dupA).
Molecular consequence: intron variant.
Genome position (GRCh38, 1-based): chr2:175,979,806, T duplicated on the plus strand (A on the coding strand, the reverse complement: LNPK is on the minus strand); the first of 2 consecutive T bases (chr2:175,979,806-175,979,807); duplicating either gives the same sequence. VCF-style (leftmost placement, unchanged base first): chr2-175979805-C-CT. GRCh37 (hg19) VCF-style: chr2-176844533-C-CT.
Other names: c.-54+4dup (NM_001305011.2); c.322+4dup (NM_001305010.1); c.316+4dup (NM_001305009.1); c.514+4dup (NM_001305008.1).
Identifiers: ClinVar variation 4074280 (VCV004074280.2).
Genomic context (GRCh38, chr2:175,979,805, plus strand): 5'-CTTACCAGCACATTCTAAAATAGGTATTTTAAAAAATATTTATTAAAAATTGGAATTAAA[C>CT]TTACTATTTCTTTCTGTTCTCTTGGAAAAGAAGAAAATAATTACTGTTCTTATGCTCCAG-3'